The following is an entry in ClinVar:

ClinVar aggregate classification (germline): Benign/Likely benign. Review status: criteria provided, multiple submitters, no conflicts (2 of 4 stars). 5 submissions from 5 submitters: Benign (4); Likely benign (1). Last evaluated 2026-02-04.

Conditions:
Jeune thoracic dystrophy. Also called: Jeune syndrome; Infantile thoracic dystrophy; Thoracic pelvic phalangeal dystrophy; Jeune's syndrome; Chondroectodermal dysplasia-like syndrome; Short-rib thoracic dysplasia. Identifiers: Orphanet 474, MedGen C0265275, MONDO:0018770.
Asphyxiating thoracic dystrophy 3. Also called: Short rib polydactyly syndrome 2B; SHORT-RIB THORACIC DYSPLASIA 3 WITH OR WITHOUT POLYDACTYLY; POLYDACTYLY WITH NEONATAL CHONDRODYSTROPHY, TYPE I; SHORT-RIB THORACIC DYSPLASIA 3/6 WITH POLYDACTYLY, DIGENIC; Saldino-Noonan Syndrome. Identifiers: Orphanet 474, Orphanet 93269, Orphanet 93270, Orphanet 93271, MedGen C0036069, MONDO:0013127, OMIM 613091.

Allele frequency attached by ClinVar (database versions not stated): ESP Exome Variant Server 0.00043; gnomAD 0.00164 and 0.00173; gnomAD exomes 0.00263; TOPMed 0.00283; ExAC 0.00393; 1000 Genomes Project 0.00499; 1000 Genomes Project 30x 0.00531.
gnomAD v4.1: 874 of 1,349,588 alleles (0.065%); highest among the groups gnomAD compares: Admixed American, 2%; 11 homozygotes.

Submissions (5):

Labcorp Genetics (formerly Invitae), Labcorp
Classification: Benign for Jeune thoracic dystrophy. Last evaluated: 2026-02-04. Review status: criteria provided, single submitter. Criteria: Invitae Variant Classification Sherloc (09022015). Collection method: clinical testing. Allele origin: germline.

ARUP Laboratories, Molecular Genetics and Genomics, ARUP Laboratories
Classification: Benign for Asphyxiating thoracic dystrophy 3. Last evaluated: 2025-07-02. Review status: criteria provided, single submitter. Criteria: ARUP Molecular Germline Variant Investigation Process 2024. Collection method: clinical testing. Allele origin: germline.

Blueprint Genetics
Classification: Likely benign. Last evaluated: 2024-11-04. Review status: criteria provided, single submitter. Criteria: ACMG Guidelines, 2015. Collection method: clinical testing. Allele origin: germline.

GeneDx
Classification: Benign. Last evaluated: 2016-11-23. Review status: criteria provided, single submitter. Criteria: GeneDx Variant Classification (06012015). Collection method: clinical testing. Allele origin: germline. Affected: yes.
Comment: This variant is considered likely benign or benign based on one or more of the following criteria: it is a conservative change, it occurs at a poorly conserved position in the protein, it is predicted to be benign by multiple in silico algorithms, and/or has population frequency not consistent with disease.

Breakthrough Genomics
Classification: Benign. Review status: criteria provided, single submitter. Criteria: ACMG Guidelines, 2015. Collection method: not provided. Allele origin: germline. Inheritance: Autosomal recessive inheritance. Affected: yes.

NM_001377.3(DYNC2H1):c.1661+16T>C

Gene: DYNC2H1 (dynein cytoplasmic 2 heavy chain 1; plus strand). Cytogenetic location: 11q22.3.
Variant type: single nucleotide variant.
Coding change: c.1661+16T>C on transcript NM_001377.3 (MANE Select); 16 bases into the intron after coding-DNA position 1661, T replaced by C.
Molecular consequence: intron variant.
Genome position (GRCh38, 1-based): chr11:103,123,016, T>C. VCF-style: chr11-103123016-T-C. GRCh37 (hg19) VCF-style: chr11-102993745-T-C.
Other names: c.1661+16T>C (NM_001080463.2).
Identifiers: ClinVar variation 386707 (VCV000386707.20), dbSNP rs187129481, ClinGen allele CA6252838.